The following is an entry in ClinVar:

ClinVar aggregate classification (germline): Uncertain significance (1 of 4 stars; one submission).

Conditions:
Multiple endocrine neoplasia, type 1 (MEN1). Also called: MEA I; MEN I; WERMER SYNDROME; Endocrine adenomatosis multiple; MEN 1. Identifiers: Orphanet 652, MedGen C0025267, MeSH D018761, MONDO:0007540, OMIM 131100.

Submission:

Labcorp Genetics (formerly Invitae), Labcorp
Classification: Uncertain significance for Multiple endocrine neoplasia, type 1. Last evaluated: 2022-10-15. Review status: criteria provided, single submitter. Criteria: Invitae Variant Classification Sherloc (09022015). Collection method: clinical testing. Allele origin: germline.
Comment: This variant has not been reported in the literature in individuals affected with MEN1-related conditions. This variant is not present in population databases (gnomAD no frequency). This sequence change replaces glycine, which is neutral and non-polar, with arginine, which is basic and polar, at codon 271 of the MEN1 protein (p.Gly271Arg). Advanced modeling of protein sequence and biophysical properties (such as structural, functional, and spatial information, amino acid conservation, physicochemical variation, residue mobility, and thermodynamic stability) performed at Invitae indicates that this missense variant is expected to disrupt MEN1 protein function. In summary, the available evidence is currently insufficient to determine the role of this variant in disease. Therefore, it has been classified as a Variant of Uncertain Significance.

NM_001370259.2(MEN1):c.811G>C (p.Gly271Arg)

Gene: MEN1 (menin 1; minus strand). Cytogenetic location: 11q13.1.
Variant type: single nucleotide variant.
Coding change: c.811G>C on transcript NM_001370259.2 (MANE Select); coding-DNA position 811, G replaced by C.
Protein change: p.Gly271Arg; replaces glycine 271 with arginine.
Molecular consequence: missense variant.
Genome position (GRCh38, 1-based): chr11:64,807,192, C>G on the plus strand (G>C on the coding strand, the complement: MEN1 is on the minus strand). VCF-style: chr11-64807192-C-G. GRCh37 (hg19) VCF-style: chr11-64574664-C-G.
Other names: c.826G>C, p.Gly276Arg (NM_000244.4, NM_001407145.1, NM_001407150.1 and 5 more transcripts); c.811G>C, p.Gly271Arg (NM_001370251.2, NM_001370260.2, NM_001370261.2 and 7 more transcripts); c.706G>C, p.Gly236Arg (NM_001370262.2, NM_001370263.2, NM_001407148.1 and 2 more transcripts); short protein forms G236R, G271R, G276R.
Identifiers: ClinVar variation 1721687 (VCV001721687.5), dbSNP rs1565645918, ClinGen allele CA381183917.